The following is an entry in ClinVar:

NM_024675.4(PALB2):c.3168A>C (p.Gln1056His)

Gene: PALB2 (partner and localizer of BRCA2; minus strand). Cytogenetic location: 16p12.2.
Variant type: single nucleotide variant.
Coding change: c.3168A>C on transcript NM_024675.4 (MANE Select); coding-DNA position 3168, A replaced by C.
Protein change: p.Gln1056His; replaces glutamine 1056 with histidine.
Molecular consequence: missense variant.
Genome position (GRCh38, 1-based): chr16:23,614,037, T>G on the plus strand (A>C on the coding strand, the complement: PALB2 is on the minus strand). VCF-style: chr16-23614037-T-G. GRCh37 (hg19) VCF-style: chr16-23625358-T-G.
Other names: short protein forms Q1056H.
Identifiers: ClinVar variation 1691952 (VCV001691952.1), dbSNP rs2142299226, ClinGen allele CA395141247.

ClinVar aggregate classification (germline): Uncertain significance (1 of 4 stars; one submission).

Conditions:
Hereditary cancer-predisposing syndrome. Also called: Hereditary Cancer Syndrome; Hereditary neoplastic syndrome; Neoplastic Syndromes, Hereditary; Tumor predisposition. Identifiers: Orphanet 140162, MedGen C0027672, MeSH D009386, MONDO:0015356.

Submission:

Sema4
Classification: Uncertain significance for Hereditary cancer-predisposing syndrome. Last evaluated: 2021-06-13. Review status: criteria provided, single submitter. Criteria: Sema4 Curation Guidelines. Collection method: curation. Allele origin: germline.
Comment: The PALB2 c.3168A>C (p.Q1056H) variant has not been reported in the literature to our knowledge. It was not observed in the large and broad cohorts of the Genome Aggregation Database (PMID: 32461654). The variant has not been reported in ClinVar. In silico tools suggest the impact of the variant on protein function is benign, though these predictions have not been confirmed by functional studies. The evidence is insufficient to meet ACMG/AMP criteria for classifying the variant as benign or pathogenic. Thus, the clinical significance of this variant is currently uncertain.